The following is an entry in ClinVar:

NC_000022.10:g.(?_24175739)_(24176449_?)dup

Gene: SMARCB1 (SWI/SNF related BAF chromatin remodeling complex subunit B1; plus strand). Cytogenetic location: 22q11.23.
Variant type: Duplication.
Identifiers: ClinVar variation 3248106 (VCV003248106.1).

ClinVar aggregate classification (germline): Uncertain significance (1 of 4 stars; one submission).

Submission:

Labcorp Genetics (formerly Invitae), Labcorp
Classification: Uncertain significance. Last evaluated: 2024-01-28. Review status: criteria provided, single submitter. Criteria: Invitae Variant Classification Sherloc (09022015). Collection method: clinical testing. Allele origin: unknown.
Comment: This variant results in a copy number gain of the genomic region encompassing exon(s) 8-9 of the SMARCB1 gene. This region includes the termination codon of the gene. This copy number gain extends beyond the assayed region for this gene and therefore may encompass additional genes. As the precise location of this event is unknown, it may be in tandem or it may be located elsewhere in the genome. This variant has not been reported in the literature in individuals affected with SMARCB1-related conditions. Experimental studies and prediction algorithms are not available or were not evaluated, and the functional significance of this variant is currently unknown. In summary, the available evidence is currently insufficient to determine the role of this variant in disease. Therefore, it has been classified as a Variant of Uncertain Significance.